The following is an entry in ClinVar:

ClinVar aggregate classification (germline): Uncertain significance (1 of 4 stars; one submission).

Conditions:
Oligodontia-cancer predisposition syndrome. Also called: TOOTH AGENESIS-COLORECTAL CANCER SYNDROME. Identifiers: Orphanet 300576, MedGen C1837750, MONDO:0012075, OMIM 608615. Disease mechanism: loss of function.

Submission:

Labcorp Genetics (formerly Invitae), Labcorp
Classification: Uncertain significance for Oligodontia-cancer predisposition syndrome. Last evaluated: 2022-04-27. Review status: criteria provided, single submitter. Criteria: Invitae Variant Classification Sherloc (09022015). Collection method: clinical testing. Allele origin: germline.
Comment: Variants that disrupt the consensus splice site are a relatively common cause of aberrant splicing (PMID: 17576681, 9536098). Studies have shown that this variant results in activation of cryptic splice sites and introduces a premature termination codon (Invitae). The resulting mRNA is expected to undergo nonsense-mediated decay. This variant has not been reported in the literature in individuals affected with AXIN2-related conditions. This variant is not present in population databases (gnomAD no frequency). This sequence change falls in intron 5 of the AXIN2 gene. It does not directly change the encoded amino acid sequence of the AXIN2 protein. RNA analysis indicates that this variant induces altered splicing and may result in an absent or disrupted protein product. In summary, the available evidence is currently insufficient to determine the role of this variant in disease. Therefore, it has been classified as a Variant of Uncertain Significance.

Literature cited by the submitters: PubMed 17576681; PubMed 9536098.

NM_004655.4(AXIN2):c.1200+3A>C

Gene: AXIN2 (axin 2; minus strand). Cytogenetic location: 17q24.1.
Variant type: single nucleotide variant.
Coding change: c.1200+3A>C on transcript NM_004655.4 (MANE Select); 3 bases into the intron after coding-DNA position 1200, A replaced by C.
Molecular consequence: intron variant.
Genome position (GRCh38, 1-based): chr17:65,538,200, T>G on the plus strand (A>C on the coding strand, the complement: AXIN2 is on the minus strand). VCF-style: chr17-65538200-T-G. GRCh37 (hg19) VCF-style: chr17-63534318-T-G.
Other names: c.1200+3A>C (NM_001363813.1).
Identifiers: ClinVar variation 2130972 (VCV002130972.4), dbSNP rs1248714399, ClinGen allele CA2580095046.
Genomic context (GRCh38, chr17:65,538,200, plus strand): 5'-CGCATACACATACGAGCGCTCACGCCGTGGACGGAAGCAGGAAGAAGGCCTAGGCCGCAT[T>G]ACCTCTCGGATCTGCTGCAGGCGCTCCTCCAGGCTGTGGCGGCTCTCCAACTCCAGCTTC-3'